The following is an entry in ClinVar:

ClinVar aggregate classification (germline): Uncertain significance. Review status: criteria provided, multiple submitters, no conflicts (2 of 4 stars). 3 submissions from 3 submitters: Uncertain significance (3). Last evaluated 2025-03-30.

Conditions:
Inborn genetic diseases. Identifiers: MedGen C0950123, MeSH D030342.
Fanconi anemia (FA). Also called: Fanconi's anemia. Identifiers: Orphanet 84, MedGen C0015625, MeSH D005199, MONDO:0019391.

Submissions (3):

Ambry Genetics
Classification: Uncertain significance for Inborn genetic diseases. Last evaluated: 2025-03-30. Review status: criteria provided, single submitter. Criteria: Ambry Variant Classification Scheme 2023. Collection method: clinical testing. Allele origin: germline.
Comment: The p.G159A variant (also known as c.476G>C), located in coding exon 1 of the FANCM gene, results from a G to C substitution at nucleotide position 476. The glycine at codon 159 is replaced by alanine, an amino acid with similar properties. This amino acid position is conserved. In addition, this alteration is predicted to be tolerated by in silico analysis. Based on the available evidence, the clinical significance of this variant remains unclear.

GeneDx
Classification: Uncertain significance. Last evaluated: 2023-11-26. Review status: criteria provided, single submitter. Criteria: GeneDx Variant Classification Process June 2021. Collection method: clinical testing. Allele origin: germline. Affected: yes.
Comment: Not observed at significant frequency in large population cohorts (gnomAD); In silico analysis supports that this missense variant has a deleterious effect on protein structure/function; Has not been previously published as pathogenic or benign to our knowledge

Labcorp Genetics (formerly Invitae), Labcorp
Classification: Uncertain significance for Fanconi anemia. Last evaluated: 2023-11-16. Review status: criteria provided, single submitter. Criteria: Invitae Variant Classification Sherloc (09022015). Collection method: clinical testing. Allele origin: germline.
Comment: This sequence change replaces glycine, which is neutral and non-polar, with alanine, which is neutral and non-polar, at codon 159 of the FANCM protein (p.Gly159Ala). This variant is not present in population databases (gnomAD no frequency). This variant has not been reported in the literature in individuals affected with FANCM-related conditions. An algorithm developed to predict the effect of missense changes on protein structure and function (PolyPhen-2) suggests that this variant is likely to be tolerated. In summary, the available evidence is currently insufficient to determine the role of this variant in disease. Therefore, it has been classified as a Variant of Uncertain Significance.

NM_020937.4(FANCM):c.476G>C (p.Gly159Ala)

Gene: FANCM (FA complementation group M; plus strand). Cytogenetic location: 14q21.2.
Variant type: single nucleotide variant.
Coding change: c.476G>C on transcript NM_020937.4 (MANE Select); coding-DNA position 476, G replaced by C.
Protein change: p.Gly159Ala; replaces glycine 159 with alanine.
Molecular consequence: missense variant.
Genome position (GRCh38, 1-based): chr14:45,136,507, G>C. VCF-style: chr14-45136507-G-C. GRCh37 (hg19) VCF-style: chr14-45605710-G-C.
Other names: c.476G>C, p.Gly159Ala (NM_001308133.2, NM_001308134.2); short protein forms G159A.
Identifiers: ClinVar variation 2844455 (VCV002844455.5), dbSNP rs1885521720, ClinGen allele CA389588434.